The following is an entry in ClinVar:

NM_015215.4(CAMTA1):c.2779+5G>A

Gene: CAMTA1 (calmodulin binding transcription activator 1; plus strand). Cytogenetic location: 1p36.23.
Variant type: single nucleotide variant.
Coding change: c.2779+5G>A on transcript NM_015215.4 (MANE Select); 5 bases into the intron after coding-DNA position 2779, G replaced by A.
Molecular consequence: intron variant.
Genome position (GRCh38, 1-based): chr1:7,671,042, G>A. VCF-style: chr1-7671042-G-A. GRCh37 (hg19) VCF-style: chr1-7731102-G-A.
Other names: c.2779+5G>A (NM_001349609.2, NM_001349610.2); c.2689+5G>A (NM_001349608.2, NM_001349612.2); c.-150+5G>A (NM_001349614.1, NM_001349620.1, NM_001349621.1 and 3 more transcripts).
Identifiers: ClinVar variation 1321253 (VCV001321253.1), dbSNP rs2149222075, ClinGen allele CA2573051620.

ClinVar aggregate classification (germline): Uncertain significance (1 of 4 stars; one submission).

Conditions:
Cerebellar dysfunction with variable cognitive and behavioral abnormalities (CECBA). Also called: Nonprogressive cerebellar atxia with intellectual disability. Identifiers: Orphanet 314647, MedGen C3553661, MONDO:0013886, OMIM 614756.

Submission:

3billion
Classification: Uncertain significance for Cerebellar dysfunction with variable cognitive and behavioral abnormalities. Last evaluated: 2021-10-25. Review status: criteria provided, single submitter. Criteria: ACMG Guidelines, 2015. Collection method: clinical testing. Allele origin: unknown. Affected: yes. Observed: 1 heterozygote.
Comment: This variant is not observed in the gnomAD v2.1.1 dataset (PM2). In silico tools predict the variant to alter splicing and produce an abnormal transcript (Splice AI: 0.81, PP3). Therefore, this variant is classified as uncertain significance according to the recommendation of ACMG/AMP guideline.